The following is an entry in ClinVar:

NM_004104.5(FASN):c.2186C>T (p.Thr729Met)

Gene: FASN (fatty acid synthase; minus strand). Cytogenetic location: 17q25.3.
Variant type: single nucleotide variant.
Coding change: c.2186C>T on transcript NM_004104.5 (MANE Select); coding-DNA position 2186, C replaced by T.
Protein change: p.Thr729Met; replaces threonine 729 with methionine.
Molecular consequence: missense variant.
Genome position (GRCh38, 1-based): chr17:82,089,087, G>A on the plus strand (C>T on the coding strand, the complement: FASN is on the minus strand). VCF-style: chr17-82089087-G-A. GRCh37 (hg19) VCF-style: chr17-80046963-G-A.
Other names: short protein forms T729M.
Identifiers: ClinVar variation 841654 (VCV000841654.9), dbSNP rs202169855, ClinGen allele CA8852875.

ClinVar aggregate classification (germline): Uncertain significance. Review status: criteria provided, multiple submitters, no conflicts (2 of 4 stars). 2 submissions from 2 submitters: Uncertain significance (2). Last evaluated 2025-11-06.

Conditions:
Epileptic encephalopathy. Identifiers: MedGen C0543888, HP:0200134.

Allele frequency attached by ClinVar (database versions not stated): gnomAD 0.00006 and 0.00008; TOPMed 0.00008; gnomAD exomes 0.00011 and 0.00020; ESP Exome Variant Server 0.00015; ExAC 0.00016; 1000 Genomes Project 30x 0.00031; 1000 Genomes Project 0.00040.
gnomAD v4.1: 312 of 1,576,564 alleles (0.02%); highest among the groups gnomAD compares: Non-Finnish European, 0.023%; no homozygotes.

Submissions (2):

Labcorp Genetics (formerly Invitae), Labcorp
Classification: Uncertain significance for Epileptic encephalopathy. Last evaluated: 2025-11-06. Review status: criteria provided, single submitter. Criteria: Invitae Variant Classification Sherloc (09022015). Collection method: clinical testing. Allele origin: germline.
Comment: This sequence change replaces threonine, which is neutral and polar, with methionine, which is neutral and non-polar, at codon 729 of the FASN protein (p.Thr729Met). This variant is present in population databases (rs202169855, gnomAD 0.02%). This variant has not been reported in the literature in individuals affected with FASN-related conditions. ClinVar contains an entry for this variant (Variation ID: 841654). An algorithm developed to predict the effect of missense changes on protein structure and function outputs the following: PolyPhen-2: "Benign". The methionine amino acid residue is found in multiple mammalian species, which suggests that this missense change does not adversely affect protein function. In summary, the available evidence is currently insufficient to determine the role of this variant in disease. Therefore, it has been classified as a Variant of Uncertain Significance.

Ambry Genetics
Classification: Uncertain significance. Last evaluated: 2025-09-09. Review status: criteria provided, single submitter. Criteria: Ambry Variant Classification Scheme 2023. Collection method: clinical testing. Allele origin: germline.